The following is an entry in ClinVar:

ClinVar aggregate classification (germline): Uncertain significance (1 of 4 stars; one submission).

gnomAD v4.1: 1 of 1,603,274 alleles (0.000062%); highest among the groups gnomAD compares: East Asian, 0.0022%; no homozygotes.

Submission:

Labcorp Genetics (formerly Invitae), Labcorp
Classification: Uncertain significance. Last evaluated: 2024-09-08. Review status: criteria provided, single submitter. Criteria: Invitae Variant Classification Sherloc (09022015). Collection method: clinical testing. Allele origin: germline.
Comment: This sequence change falls in intron 13 of the ALPK3 gene. It does not directly change the encoded amino acid sequence of the ALPK3 protein. This variant is present in population databases (rs749398140, gnomAD 0.006%). This variant has not been reported in the literature in individuals affected with ALPK3-related conditions. Algorithms developed to predict the effect of sequence changes on RNA splicing suggest that this variant may disrupt the consensus splice site. In summary, the available evidence is currently insufficient to determine the role of this variant in disease. Therefore, it has been classified as a Variant of Uncertain Significance.

NM_020778.5(ALPK3):c.4773-11T>C

Gene: ALPK3 (alpha kinase 3; plus strand). Cytogenetic location: 15q25.3.
Variant type: single nucleotide variant.
Coding change: c.4773-11T>C on transcript NM_020778.5 (MANE Select); 11 bases into the intron before coding-DNA position 4773, T replaced by C.
Molecular consequence: intron variant.
Genome position (GRCh38, 1-based): chr15:84,868,100, T>C. VCF-style: chr15-84868100-T-C. GRCh37 (hg19) VCF-style: chr15-85411331-T-C.
Identifiers: ClinVar variation 3668027 (VCV003668027.2).